The following is an entry in ClinVar:

ClinVar aggregate classification (germline): Pathogenic. Review status: criteria provided, multiple submitters, no conflicts (2 of 4 stars). 3 submissions from 3 submitters: Pathogenic (2). 1 of the submissions does not count toward it. Last evaluated 2022-08-21.

Conditions:
RP1-related disorder. Also called: RP1-related condition.
Retinitis pigmentosa (RP). Identifiers: Orphanet 791, MedGen C0035334, MeSH D012174, MONDO:0019200, OMIM 268000. Inheritance: Autosomal dominant, autosomal recessive and X linked inheritance.

Submissions (3):

Labcorp Genetics (formerly Invitae), Labcorp
Classification: Pathogenic. Last evaluated: 2022-08-21. Review status: criteria provided, single submitter. Criteria: Invitae Variant Classification Sherloc (09022015). Collection method: clinical testing. Allele origin: germline.
Comment: For these reasons, this variant has been classified as Pathogenic. This variant disrupts a region of the RP1 protein in which other variant(s) (p.Ile2061Serfs*12 ) have been determined to be pathogenic (PMID: 11527933, 19933189, 29425069, 30027431). This suggests that this is a clinically significant region of the protein, and that variants that disrupt it are likely to be disease-causing. ClinVar contains an entry for this variant (Variation ID: 437950). This premature translational stop signal has been observed in individual(s) with autosomal dominant retinitis pigmentosa (PMID: 10484783, 32581362). This variant is not present in population databases (gnomAD no frequency). This sequence change creates a premature translational stop signal (p.Ile725Argfs*6) in the RP1 gene. While this is not anticipated to result in nonsense mediated decay, it is expected to disrupt the last 1432 amino acid(s) of the RP1 protein.

Blueprint Genetics
Classification: Pathogenic for RP1-related disorders. Last evaluated: 2022-08-08. Review status: criteria provided, single submitter. Criteria: ACMG Guidelines, 2015. Collection method: clinical testing. Allele origin: germline. Affected: yes. Observed: 2 variant alleles.

NIHR Bioresource Rare Diseases, University of Cambridge
Classification: Pathogenic for Retinitis pigmentosa. Last evaluated: 2015-01-01. Review status: no assertion criteria provided. Collection method: research. Allele origin: unknown. Affected: yes. Observed: 1 variant allele. Not counted in ClinVar's aggregate classification.

Literature cited by the submitters: PubMed 11527933 (cited by Labcorp Genetics (formerly Invitae), Labcorp); PubMed 19933189 (cited by Labcorp Genetics (formerly Invitae), Labcorp); PubMed 29425069 (cited by Labcorp Genetics (formerly Invitae), Labcorp); PubMed 30027431 (cited by Labcorp Genetics (formerly Invitae), Labcorp); PubMed 10484783 (cited by Labcorp Genetics (formerly Invitae), Labcorp and NIHR Bioresource Rare Diseases, University of Cambridge); PubMed 32581362 (cited by Labcorp Genetics (formerly Invitae), Labcorp); PubMed 28041643 (cited by NIHR Bioresource Rare Diseases, University of Cambridge).

NM_006269.2(RP1):c.2172_2185del (p.Ile725fs)

Gene: RP1 (RP1 axonemal microtubule associated; plus strand). Cytogenetic location: 8q12.1.
Variant type: Deletion.
Coding change: c.2172_2185del on transcript NM_006269.2 (MANE Select); coding-DNA positions 2172 to 2185, 14 bases deleted (GATACTTTGTGAGG).
Protein change: p.Ile725fs; shifts the reading frame from isoleucine 725.
Molecular consequence: frameshift variant.
Genome position (GRCh38, 1-based): chr8:54,626,054-54,626,067, GATACTTTGTGAGG deleted; deleting any 14 consecutive bases within chr8:54,626,050-54,626,067 gives the same sequence; the c. name uses the placement nearest the transcript's 3' end. VCF-style (leftmost placement, unchanged base first): chr8-54626049-GGAGGGATACTTTGT-G. GRCh37 (hg19) VCF-style: chr8-55538609-GGAGGGATACTTTGT-G.
Other names: short protein forms I725fs.
Identifiers: ClinVar variation 437950 (VCV000437950.7), dbSNP rs1554519546, ClinGen allele CA645509466.